The following is an entry in ClinVar:

ClinVar aggregate classification (germline): Uncertain significance (1 of 4 stars; one submission).

Conditions:
Gorlin syndrome. Also called: Basal cell nevus syndrome; Nevoid Basal Cell Carcinoma Syndrome. Identifiers: Orphanet 377, MedGen C0004779, MONDO:0007187.
Medulloblastoma (MDB). Also called: MEDULLOBLASTOMA PREDISPOSITION SYNDROME; Medulloblastoma, somatic. Identifiers: Orphanet 616, MedGen C0025149, MeSH D008527, MONDO:0007959, OMIM 155255, HP:0002885.

Submission:

Labcorp Genetics (formerly Invitae), Labcorp
Classification: Uncertain significance for Gorlin syndrome; Medulloblastoma. Last evaluated: 2024-09-16. Review status: criteria provided, single submitter. Criteria: Invitae Variant Classification Sherloc (09022015). Collection method: clinical testing. Allele origin: germline.
Comment: This sequence change replaces leucine, which is neutral and non-polar, with methionine, which is neutral and non-polar, at codon 234 of the SUFU protein (p.Leu234Met). This variant is not present in population databases (gnomAD no frequency). This variant has not been reported in the literature in individuals affected with SUFU-related conditions. Invitae Evidence Modeling of protein sequence and biophysical properties (such as structural, functional, and spatial information, amino acid conservation, physicochemical variation, residue mobility, and thermodynamic stability) indicates that this missense variant is not expected to disrupt SUFU protein function with a negative predictive value of 80%. In summary, the available evidence is currently insufficient to determine the role of this variant in disease. Therefore, it has been classified as a Variant of Uncertain Significance.

NM_016169.4(SUFU):c.700C>A (p.Leu234Met)

Gene: SUFU (SUFU negative regulator of hedgehog signaling; plus strand). Cytogenetic location: 10q24.32.
Variant type: single nucleotide variant.
Coding change: c.700C>A on transcript NM_016169.4 (MANE Select); coding-DNA position 700, C replaced by A.
Protein change: p.Leu234Met; replaces leucine 234 with methionine.
Molecular consequence: missense variant.
Genome position (GRCh38, 1-based): chr10:102,594,009, C>A. VCF-style: chr10-102594009-C-A. GRCh37 (hg19) VCF-style: chr10-104353766-C-A.
Other names: c.700C>A, p.Leu234Met (NM_001178133.2); short protein forms L234M.
Identifiers: ClinVar variation 3758783 (VCV003758783.2).